The following is an entry in ClinVar:

NM_000213.5(ITGB4):c.2591T>C (p.Leu864Pro)

Gene: ITGB4 (integrin subunit beta 4; plus strand). Cytogenetic location: 17q25.1.
Variant type: single nucleotide variant.
Coding change: c.2591T>C on transcript NM_000213.5 (MANE Select); coding-DNA position 2591, T replaced by C.
Protein change: p.Leu864Pro; replaces leucine 864 with proline.
Molecular consequence: missense variant.
Genome position (GRCh38, 1-based): chr17:75,740,833, T>C. VCF-style: chr17-75740833-T-C. GRCh37 (hg19) VCF-style: chr17-73736914-T-C.
Other names: c.2591T>C, p.Leu864Pro (NM_001005619.2, NM_001005731.3, NM_001321123.2); short protein forms L864P.
Identifiers: ClinVar variation 1878690 (VCV001878690.2), dbSNP rs773217734, ClinGen allele CA8769486.

ClinVar aggregate classification (germline): Uncertain significance. Review status: criteria provided, multiple submitters, no conflicts (2 of 4 stars). 2 submissions from 2 submitters: Uncertain significance (2). Last evaluated 2023-12-21.

Conditions:
Inborn genetic diseases. Identifiers: MedGen C0950123, MeSH D030342.

Allele frequency attached by ClinVar (database versions not stated): ExAC 0.00001; gnomAD 0.00002; gnomAD exomes 0.00004; TOPMed 0.00005.

Submissions (2):

Ambry Genetics
Classification: Uncertain significance for Inborn genetic diseases. Last evaluated: 2023-12-21. Review status: criteria provided, single submitter. Criteria: Ambry Variant Classification Scheme 2023. Collection method: clinical testing. Allele origin: germline.

GeneDx
Classification: Uncertain significance. Last evaluated: 2022-07-15. Review status: criteria provided, single submitter. Criteria: GeneDx Variant Classification Process June 2021. Collection method: clinical testing. Allele origin: germline. Affected: yes.
Comment: In silico analysis supports that this missense variant does not alter protein structure/function; Has not been previously published as pathogenic or benign to our knowledge